The following is an entry in ClinVar:

ClinVar aggregate classification (germline): Uncertain significance (1 of 4 stars; one submission).

Conditions:
Inborn genetic diseases. Identifiers: MedGen C0950123, MeSH D030342.

Submission:

Ambry Genetics
Classification: Uncertain significance for Inborn genetic diseases. Last evaluated: 2025-12-17. Review status: criteria provided, single submitter. Criteria: Ambry Variant Classification Scheme 2023. Collection method: clinical testing. Allele origin: germline.
Comment: The p.F520I variant (also known as c.1558T>A), located in coding exon 9 of the FANCM gene, results from a T to A substitution at nucleotide position 1558. The phenylalanine at codon 520 is replaced by isoleucine, an amino acid with highly similar properties. This amino acid position is conserved. In addition, this alteration is predicted to be tolerated by in silico analysis. Based on the available evidence, the clinical significance of this variant remains unclear.

NM_020937.4(FANCM):c.1558T>A (p.Phe520Ile)

Gene: FANCM (FA complementation group M; plus strand). Cytogenetic location: 14q21.2.
Variant type: single nucleotide variant.
Coding change: c.1558T>A on transcript NM_020937.4 (MANE Select); coding-DNA position 1558, T replaced by A.
Protein change: p.Phe520Ile; replaces phenylalanine 520 with isoleucine.
Molecular consequence: missense variant.
Genome position (GRCh38, 1-based): chr14:45,159,257, T>A. VCF-style: chr14-45159257-T-A. GRCh37 (hg19) VCF-style: chr14-45628460-T-A.
Other names: c.1480T>A, p.Phe494Ile (NM_001308133.2); c.1558T>A, p.Phe520Ile (NM_001308134.2); short protein forms F520I, F494I.
Identifiers: ClinVar variation 4841729 (VCV004841729.1).
Genomic context (GRCh38, chr14:45,159,257, plus strand): 5'-CAGCCAATTATTAGAGTAATGACTTTTGTCGGCCATGCCTCAGGGAAAAGCACGAAGGGT[T>A]TTACCCAGAAGGAGCAACTGGAGGTAATTATTTTTGGAATTGATAAAAATAAAAATAAGA-3'
Protein context (NP_065988.1, residues 510-530): GHASGKSTKG[Phe520Ile]TQKEQLEVVK